The following is an entry in ClinVar:

NM_001607.4(ACAA1):c.1104C>T (p.Pro368=)

Gene: ACAA1 (acetyl-CoA acyltransferase 1; minus strand). Cytogenetic location: 3p22.2.
Variant type: single nucleotide variant.
Coding change: c.1104C>T on transcript NM_001607.4 (MANE Select); coding-DNA position 1104, C replaced by T.
Protein change: p.Pro368=; no amino-acid change (proline 368 retained).
Molecular consequence: synonymous variant. On other transcripts: non-coding transcript variant (1).
Genome position (GRCh38, 1-based): chr3:38,125,660, G>A on the plus strand (C>T on the coding strand, the complement: ACAA1 is on the minus strand). VCF-style: chr3-38125660-G-A. GRCh37 (hg19) VCF-style: chr3-38167151-G-A.
Other names: c.825C>T, p.Pro275= (NM_001130410.2).
Identifiers: ClinVar variation 3033932 (VCV003033932.2), dbSNP rs76106932, ClinGen allele CA2315595.

ClinVar aggregate classification (germline): Likely benign (0 of 4 stars; one submission).

Conditions:
ACAA1-related disorder. Also called: ACAA1-related condition.

Allele frequency attached by ClinVar (database versions not stated): gnomAD exomes 0.00049; ExAC 0.00185; gnomAD 0.00494; 1000 Genomes Project 0.00519; TOPMed 0.00574; 1000 Genomes Project 30x 0.00609; ESP Exome Variant Server 0.00669.
gnomAD v4.1: 1,473 of 1,599,234 alleles (0.092%); highest among the groups gnomAD compares: African/African-American, 1.8%; 19 homozygotes.

Submission:

PreventionGenetics, part of Exact Sciences
Classification: Likely benign for ACAA1-related condition. Last evaluated: 2019-03-18. Review status: no assertion criteria provided. Collection method: clinical testing. Allele origin: germline.
Comment: This variant is classified as likely benign based on ACMG/AMP sequence variant interpretation guidelines (Richards et al. 2015 PMID: 25741868, with internal and published modifications).